The following is an entry in ClinVar:

ClinVar aggregate classification (germline): Likely benign. Review status: criteria provided, multiple submitters, no conflicts (2 of 4 stars). 3 submissions from 3 submitters: Likely benign (3). Last evaluated 2026-06-10.

Conditions:
FBLN1-related disorder. Also called: FBLN1-related condition.

Allele frequency attached by ClinVar (database versions not stated): ESP Exome Variant Server 0.00015; TOPMed 0.00017.
gnomAD v4.1: 405 of 1,613,924 alleles (0.025%); highest among the groups gnomAD compares: Middle Eastern, 0.049%; no homozygotes.

Submissions (3):

PreventionGenetics, part of Exact Sciences
Classification: Likely benign for FBLN1-related condition. Last evaluated: 2026-06-10. Review status: criteria provided, single submitter. Criteria: ACMG Guidelines, 2015. Collection method: clinical testing. Allele origin: germline.
Comment: This variant is classified as likely benign based on ACMG/AMP sequence variant interpretation guidelines (Richards et al. 2015 PMID: 25741868, with internal and published modifications).

CeGaT Center for Human Genetics Tuebingen
Classification: Likely benign. Last evaluated: 2025-12-01. Review status: criteria provided, single submitter. Criteria: CeGaT Center For Human Genetics Tuebingen Variant Classification Criteria Version 2. Collection method: clinical testing. Allele origin: germline. Affected: yes. Observed: 1 variant allele.
Comment: FBLN1: BP4, BP7

Labcorp Genetics (formerly Invitae), Labcorp
Classification: Likely benign. Last evaluated: 2025-10-17. Review status: criteria provided, single submitter. Criteria: Invitae Variant Classification Sherloc (09022015). Collection method: clinical testing. Allele origin: germline.

NM_006486.3(FBLN1):c.1173C>T (p.Asp391=)

Gene: FBLN1 (fibulin 1; plus strand). Cytogenetic location: 22q13.31.
Variant type: single nucleotide variant.
Coding change: c.1173C>T on transcript NM_006486.3 (MANE Select); coding-DNA position 1173, C replaced by T.
Protein change: p.Asp391=; no amino-acid change (aspartic acid 391 retained).
Molecular consequence: synonymous variant.
Genome position (GRCh38, 1-based): chr22:45,542,261, C>T. VCF-style: chr22-45542261-C-T. GRCh37 (hg19) VCF-style: chr22-45938141-C-T.
Other names: c.1173C>T (NM_006486.2); c.1173C>T, p.Asp391= (NM_001996.4, NM_006485.4, NM_006487.3).
Identifiers: ClinVar variation 1658896 (VCV001658896.14), dbSNP rs139236558, ClinGen allele CA10286838.